The following is an entry in ClinVar:

ClinVar aggregate classification (germline): Uncertain significance (1 of 4 stars; one submission).

Submission:

Labcorp Genetics (formerly Invitae), Labcorp
Classification: Uncertain significance. Last evaluated: 2021-03-07. Review status: criteria provided, single submitter. Criteria: Invitae Variant Classification Sherloc (09022015). Collection method: clinical testing. Allele origin: germline.
Comment: This variant, c.2241_2243del, results in the deletion of 1 amino acid of the MYO5B protein (p.Phe748del), but otherwise preserves the integrity of the reading frame. This variant is not present in population databases (ExAC no frequency). This variant has not been reported in the literature in individuals with MYO5B-related conditions. Experimental studies and prediction algorithms are not available or were not evaluated, and the functional significance of this variant is currently unknown. In summary, the available evidence is currently insufficient to determine the role of this variant in disease. Therefore, it has been classified as a Variant of Uncertain Significance.

NM_001080467.3(MYO5B):c.2238CTT[1] (p.Phe748del)

Gene: MYO5B (myosin VB; minus strand). Cytogenetic location: 18q21.1.
Variant type: Microsatellite.
Coding change: c.2238CTT[1] on transcript NM_001080467.3 (MANE Select); one copy of the 3-base unit CTT starting at c.2238; the reference has two copies in a row; one copy, 3 bases deleted.
Protein change: p.Phe748del; deletes phenylalanine 748.
Molecular consequence: inframe deletion.
Genome position (GRCh38, 1-based): chr18:49,906,590-49,906,592, AAG deleted on the plus strand (CTT on the coding strand, the reverse complement: MYO5B is on the minus strand); deleting any 3 consecutive bases within chr18:49,906,590-49,906,596 gives the same sequence; the position shown is the placement nearest the transcript's 3' end. VCF-style (leftmost placement, unchanged base first): chr18-49906589-AAAG-A. GRCh37 (hg19) VCF-style: chr18-47432959-AAAG-A.
Other names: short protein forms F748del.
Identifiers: ClinVar variation 1348281 (VCV001348281.8), dbSNP rs1490814880, ClinGen allele CA629551812.